The following is an entry in ClinVar:

ClinVar aggregate classification (germline): Uncertain significance (1 of 4 stars; one submission).

Conditions:
Cardiovascular phenotype. Identifiers: MedGen CN230736.

gnomAD v4.1: 3 of 1,496,074 alleles (0.0002%); highest among the groups gnomAD compares: Non-Finnish European, 0.00018%; no homozygotes.

Submission:

Ambry Genetics
Classification: Uncertain significance for Cardiovascular phenotype. Last evaluated: 2025-06-28. Review status: criteria provided, single submitter. Criteria: Ambry Variant Classification Scheme 2023. Collection method: clinical testing. Allele origin: germline.
Comment: The p.A59S variant (also known as c.175G>T), located in coding exon 1 of the GATA4 gene, results from a G to T substitution at nucleotide position 175. The alanine at codon 59 is replaced by serine, an amino acid with similar properties. This amino acid position is conserved. In addition, this alteration is predicted to be tolerated by in silico analysis. Based on the available evidence, the clinical significance of this variant remains unclear.

NM_001308093.3(GATA4):c.175G>T (p.Ala59Ser)

Gene: GATA4 (GATA binding protein 4). Cytogenetic location: 8p23.1.
Variant type: single nucleotide variant.
Coding change: c.175G>T on transcript NM_001308093.3 (MANE Select); coding-DNA position 175, G replaced by T.
Protein change: p.Ala59Ser; replaces alanine 59 with serine.
Molecular consequence: missense variant. On other transcripts: intron variant (3).
Genome position (GRCh38, 1-based): chr8:11,708,487, G>T. VCF-style: chr8-11708487-G-T. GRCh37 (hg19) VCF-style: chr8-11565996-G-T.
Other names: c.175G>T, p.Ala59Ser (NM_002052.5); c.-6+7709G>T (NM_001308094.2); c.-3+473G>T (NM_001374274.1); c.-3+4183G>T (NM_001374273.1); short protein forms A59S.
Identifiers: ClinVar variation 3519059 (VCV003519059.2).